The following is an entry in ClinVar:

NM_000059.4(BRCA2):c.7008-17T>G

Gene: BRCA2 (BRCA2 DNA repair associated; plus strand). Cytogenetic location: 13q13.1.
Variant type: single nucleotide variant.
Coding change: c.7008-17T>G on transcript NM_000059.4 (MANE Select); 17 bases into the intron before coding-DNA position 7008, T replaced by G.
Molecular consequence: intron variant.
Genome position (GRCh38, 1-based): chr13:32,354,844, T>G. VCF-style: chr13-32354844-T-G. GRCh37 (hg19) VCF-style: chr13-32928981-T-G.
Identifiers: ClinVar variation 383476 (VCV000383476.1), dbSNP rs1057521641, ClinGen allele CA16606801.

ClinVar aggregate classification (germline): Likely benign (1 of 4 stars; one submission).

Submission:

GeneDx
Classification: Likely benign. Last evaluated: 2016-01-29. Review status: criteria provided, single submitter. Criteria: GeneDx Variant Classification (06012015). Collection method: clinical testing. Allele origin: germline. Affected: yes.
Comment: This variant is considered likely benign or benign based on one or more of the following criteria: it is a conservative change, it occurs at a poorly conserved position in the protein, it is predicted to be benign by multiple in silico algorithms, and/or has population frequency not consistent with disease.